The following is an entry in ClinVar:

NM_001170700.3(DTHD1):c.1216A>G (p.Lys406Glu)

Gene: DTHD1 (death domain containing 1; plus strand). Cytogenetic location: 4p14.
Variant type: single nucleotide variant.
Coding change: c.1216A>G on transcript NM_001170700.3 (MANE Select); coding-DNA position 1216, A replaced by G.
Protein change: p.Lys406Glu; replaces lysine 406 with glutamic acid.
Molecular consequence: missense variant. On other transcripts: non-coding transcript variant (2).
Genome position (GRCh38, 1-based): chr4:36,290,701, A>G. VCF-style: chr4-36290701-A-G. GRCh37 (hg19) VCF-style: chr4-36292323-A-G.
Other names: c.346A>G, p.Lys116Glu (NM_001136536.5, NM_001378435.1); short protein forms K406E, K116E.
Identifiers: ClinVar variation 2007536 (VCV002007536.4), dbSNP rs2529719120, ClinGen allele CA356679302.
Genomic context (GRCh38, chr4:36,290,701, plus strand): 5'-ATAAACCTTCAATCAAGTTACCTAAACCCAAATTCACTAGAAGGAATGAAGGGAGGTTAT[A>G]AGGTTAGTAAATTCTTGGCTATATCTACATTTGCTGTTTGGCTCCTCTTATAAATATCAC-3'
Protein context (NP_001164171.2, residues 396-416): NSLEGMKGGY[Lys406Glu]GTCASVKVYK

ClinVar aggregate classification (germline): Uncertain significance (1 of 4 stars; one submission).

Submission:

Labcorp Genetics (formerly Invitae), Labcorp
Classification: Uncertain significance. Last evaluated: 2022-06-20. Review status: criteria provided, single submitter. Criteria: Invitae Variant Classification Sherloc (09022015). Collection method: clinical testing. Allele origin: germline.
Comment: This variant has not been reported in the literature in individuals affected with DTHD1-related conditions. In summary, the available evidence is currently insufficient to determine the role of this variant in disease. Therefore, it has been classified as a Variant of Uncertain Significance. Algorithms developed to predict the effect of missense changes on protein structure and function are either unavailable or do not agree on the potential impact of this missense change (SIFT: "Deleterious"; PolyPhen-2: "Benign"; Align-GVGD: "Class C0"). This variant is not present in population databases (gnomAD no frequency). This sequence change replaces lysine, which is basic and polar, with glutamic acid, which is acidic and polar, at codon 116 of the DTHD1 protein (p.Lys116Glu).